The following is an entry in ClinVar:

NM_000154.2(GALK1):c.1045G>A (p.Gly349Ser)

Gene: GALK1 (galactokinase 1; minus strand). Cytogenetic location: 17q25.1.
Variant type: single nucleotide variant.
Coding change: c.1045G>A on transcript NM_000154.2 (MANE Select); coding-DNA position 1045, G replaced by A.
Protein change: p.Gly349Ser; replaces glycine 349 with serine.
Molecular consequence: missense variant.
Genome position (GRCh38, 1-based): chr17:75,758,272, C>T on the plus strand (G>A on the coding strand, the complement: GALK1 is on the minus strand). VCF-style: chr17-75758272-C-T. GRCh37 (hg19) VCF-style: chr17-73754353-C-T.
Other names: short protein forms G349S.
Identifiers: ClinVar variation 553541 (VCV000553541.12), dbSNP rs754967473, ClinGen allele CA8770753.

ClinVar aggregate classification (germline): Pathogenic/Likely pathogenic. Review status: criteria provided, multiple submitters, no conflicts (2 of 4 stars). 5 submissions from 5 submitters: Pathogenic (1); Likely pathogenic (3). 1 of the submissions does not count toward it. Last evaluated 2025-04-21.

Conditions:
Deficiency of galactokinase. Also called: GALACTOSEMIA II; Galactokinase deficiency with cataracts. Identifiers: Orphanet 352, Orphanet 79237, MedGen C0268155, MONDO:0009255, OMIM 230200.

Allele frequency attached by ClinVar (database versions not stated): ExAC below 0.00001; gnomAD exomes 0.00001; gnomAD 0.00004 and 0.00005; TOPMed 0.00004.
gnomAD v4.1: 48 of 1,593,542 alleles (0.003%); highest among the groups gnomAD compares: East Asian, 0.0068%; no homozygotes.

Submissions (5):

Natera, Inc.
Classification: Likely pathogenic for Deficiency of galactokinase. Last evaluated: 2025-04-21. Review status: criteria provided, single submitter. Criteria: Natera Variant Classification Schema (03/2026). Collection method: clinical testing. Allele origin: germline.
Comment: The c.1045G>A variant in GALK1 is a missense variant predicted to cause substitution of glycine to serine at amino acid 349. This variant is rare in the general population with a frequency below the threshold expected for the associated phenotype(s). This variant has been observed in one or more individuals affected with the associated recessive disease, as either homozygous or compound heterozygous with a second variant (PMID: 10570908). Functional studies show that this variant may disrupt protein function (PMID: 10570908). Computational prediction algorithms indicate this variant is likely to affect gene or protein function. Given the available evidence, this variant is classified as Likely Pathogenic.

Fulgent Genetics
Classification: Likely pathogenic for Deficiency of galactokinase. Last evaluated: 2024-03-13. Review status: criteria provided, single submitter. Criteria: ACMG Guidelines, 2015. Collection method: clinical testing. Allele origin: germline.

Revvity Omics, Revvity
Classification: Pathogenic for Deficiency of galactokinase. Last evaluated: 2020-07-23. Review status: criteria provided, single submitter. Criteria: ACMG Guidelines, 2015. Collection method: clinical testing. Allele origin: germline.

Juno Genomics, Hangzhou Juno Genomics, Inc
Classification: Likely pathogenic for Deficiency of galactokinase. Review status: criteria provided, single submitter. Criteria: ACMG Guidelines, 2015. Collection method: clinical testing. Allele origin: germline.
Comment: Absent from controls (or at extremely low frequency if recessive) in Genome Aggregation Database.;Multiple lines of computational evidence support a deleterious effect on the gene or gene product.;For recessive disorders, detected in trans with a pathogenic variant.;Patient's phenotype or family history is highly specific for a disease with a single genetic etiology.

Counsyl
Classification: Uncertain significance for Deficiency of galactokinase. Last evaluated: 2017-08-30. Review status: no assertion criteria provided. Collection method: clinical testing. Allele origin: unknown. Not counted in ClinVar's aggregate classification.

Literature cited by the submitters: PubMed 10570908 (cited by Natera, Inc. and Counsyl); PubMed 21264483 (cited by Counsyl); PubMed 12694189 (cited by Counsyl); PubMed 10790206 (cited by Counsyl).